The following is an entry in ClinVar:

NM_015178.3(RHOBTB2):c.1739G>A (p.Arg580His)

Gene: RHOBTB2 (Rho related BTB domain containing 2; plus strand). Cytogenetic location: 8p21.3.
Variant type: single nucleotide variant.
Coding change: c.1739G>A on transcript NM_015178.3 (MANE Select); coding-DNA position 1739, G replaced by A.
Protein change: p.Arg580His; replaces arginine 580 with histidine.
Molecular consequence: missense variant.
Genome position (GRCh38, 1-based): chr8:23,010,656, G>A. VCF-style: chr8-23010656-G-A. GRCh37 (hg19) VCF-style: chr8-22868169-G-A.
Other names: c.1805G>A, p.Arg602His (NM_001160036.2); c.1760G>A, p.Arg587His (NM_001160037.2); c.1739G>A, p.Arg580His (NM_001374791.1); short protein forms R580H, R587H, R602H.
Identifiers: ClinVar variation 3699469 (VCV003699469.4).

ClinVar aggregate classification (germline): Uncertain significance. Review status: criteria provided, multiple submitters, no conflicts (2 of 4 stars). 2 submissions from 2 submitters: Uncertain significance (2). Last evaluated 2025-12-23.

Conditions:
Developmental and epileptic encephalopathy, 64. Also called: EPILEPTIC ENCEPHALOPATHY, EARLY INFANTILE, 64. Identifiers: MedGen C4693899, MONDO:0033373, OMIM 618004.

gnomAD v4.1: 6 of 1,614,108 alleles (0.00037%); highest among the groups gnomAD compares: Middle Eastern, 0.017%; no homozygotes.

Submissions (2):

Labcorp Genetics (formerly Invitae), Labcorp
Classification: Uncertain significance. Last evaluated: 2025-12-23. Review status: criteria provided, single submitter. Criteria: Invitae Variant Classification Sherloc (09022015). Collection method: clinical testing. Allele origin: germline.
Comment: This sequence change replaces arginine, which is basic and polar, with histidine, which is basic and polar, at codon 602 of the RHOBTB2 protein (p.Arg602His). This variant is present in population databases (rs757818105, gnomAD 0.003%). This variant has not been reported in the literature in individuals affected with RHOBTB2-related conditions. ClinVar contains an entry for this variant (Variation ID: 3699469). Invitae Evidence Modeling of protein sequence and biophysical properties (such as structural, functional, and spatial information, amino acid conservation, physicochemical variation, residue mobility, and thermodynamic stability) indicates that this missense variant is not expected to disrupt RHOBTB2 protein function with a negative predictive value of 80%. In summary, the available evidence is currently insufficient to determine the role of this variant in disease. Therefore, it has been classified as a Variant of Uncertain Significance.

Juno Genomics, Hangzhou Juno Genomics, Inc
Classification: Uncertain significance for Developmental and epileptic encephalopathy, 64. Review status: criteria provided, single submitter. Criteria: ACMG Guidelines, 2015. Collection method: clinical testing. Allele origin: germline.
Comment: Absent from controls (or at extremely low frequency if recessive) in Genome Aggregation Database.;Missense variant in a gene that has a low rate of benign missense variation.;Multiple lines of computational evidence support a deleterious effect on the gene or gene product.